The following is an entry in ClinVar:

NC_000007.13:g.(?_35242042)_(35271212_?)del

Gene: TBX20 (T-box transcription factor 20; minus strand). Cytogenetic location: 7p14.2.
Variant type: Deletion.
Identifiers: ClinVar variation 3245861 (VCV003245861.1).

ClinVar aggregate classification (germline): Uncertain significance (1 of 4 stars; one submission).

Submission:

Labcorp Genetics (formerly Invitae), Labcorp
Classification: Uncertain significance. Last evaluated: 2023-05-16. Review status: criteria provided, single submitter. Criteria: Invitae Variant Classification Sherloc (09022015). Collection method: clinical testing. Allele origin: unknown.
Comment: In summary, the available evidence is currently insufficient to determine the role of this variant in disease. Therefore, it has been classified as a Variant of Uncertain Significance. Experimental studies and prediction algorithms are not available or were not evaluated, and the functional significance of this variant is currently unknown. This variant has not been reported in the literature in individuals affected with TBX20-related conditions. This variant is a gross deletion of the genomic region encompassing exon(s) 6-8 of the TBX20 gene, which includes the termination codon. This deletion extends beyond the assayed region for this gene and therefore may encompass additional genes. While this deletion is not anticipated to lead to nonsense mediated decay, it is expected to alter mRNA translation or result in a truncated protein product.